The following is an entry in ClinVar:

NM_003060.4(SLC22A5):c.424G>A (p.Ala142Thr)

Gene: SLC22A5 (solute carrier family 22 member 5; plus strand). Cytogenetic location: 5q31.1.
Variant type: single nucleotide variant.
Coding change: c.424G>A on transcript NM_003060.4 (MANE Select); coding-DNA position 424, G replaced by A.
Protein change: p.Ala142Thr; replaces alanine 142 with threonine.
Molecular consequence: missense variant.
Genome position (GRCh38, 1-based): chr5:132,378,408, G>A. VCF-style: chr5-132378408-G-A. GRCh37 (hg19) VCF-style: chr5-131714100-G-A.
Other names: c.496G>A, p.Ala166Thr (NM_001308122.2); short protein forms A142T, A166T.
Identifiers: ClinVar variation 3385047 (VCV003385047.1).
Genomic context (GRCh38, chr5:132,378,408, plus strand): 5'-AATGATACACCCCCTTTGCTCATCTTGCAGTGGAACCTGGTGTGTGAGGACGACTGGAAG[G>A]CCCCACTCACAATCTCCTTGTTCTTCGTGGGTGTGCTGTTGGGCTCCTTCATTTCAGGGC-3'
Protein context (NP_003051.1, residues 132-152): WNLVCEDDWK[Ala142Thr]PLTISLFFVG

ClinVar aggregate classification (germline): Uncertain significance (1 of 4 stars; one submission).

gnomAD v4.1: 5 of 1,614,090 alleles (0.00031%); highest among the groups gnomAD compares: African/African-American, 0.0027%; no homozygotes.

Submission:

Women's Health and Genetics/Laboratory Corporation of America, LabCorp
Classification: Uncertain significance. Last evaluated: 2024-10-28. Review status: criteria provided, single submitter. Criteria: LabCorp Variant Classification Summary - May 2015. Collection method: clinical testing. Allele origin: germline.
Comment: Variant summary: SLC22A5 c.424G>A (p.Ala142Thr) results in a non-conservative amino acid change located in the Major facilitator superfamily domain (IPR020846) of the encoded protein sequence. Four of five in-silico tools predict a benign effect of the variant on protein function. The variant allele was found at a frequency of 1.2e-05 in 251494 control chromosomes (gnomAD). The available data on variant occurrences in the general population are insufficient to allow any conclusion about variant significance. To our knowledge, no occurrence of c.424G>A in individuals affected with Systemic Primary Carnitine Deficiency and no experimental evidence demonstrating its impact on protein function have been reported. A different variant affecting the same codon has been classified as pathogenic by our lab (c.424G>T, p.Ala142Ser). No submitters have cited clinical-significance assessments for this variant to ClinVar. Based on the evidence outlined above, the variant was classified as uncertain significance.